The following is an entry in ClinVar:

NM_001003800.2(BICD2):c.1561A>G (p.Ser521Gly)

Gene: BICD2 (BICD cargo adaptor 2; minus strand). Cytogenetic location: 9q22.31.
Variant type: single nucleotide variant.
Coding change: c.1561A>G on transcript NM_001003800.2 (MANE Select); coding-DNA position 1561, A replaced by G.
Protein change: p.Ser521Gly; replaces serine 521 with glycine.
Molecular consequence: missense variant.
Genome position (GRCh38, 1-based): chr9:92,719,084, T>C on the plus strand (A>G on the coding strand, the complement: BICD2 is on the minus strand). VCF-style: chr9-92719084-T-C. GRCh37 (hg19) VCF-style: chr9-95481366-T-C.
Other names: c.1561A>G, p.Ser521Gly (NM_015250.4); short protein forms S521G.
Identifiers: ClinVar variation 578721 (VCV000578721.9), dbSNP rs1286725301, ClinGen allele CA374037275.

ClinVar aggregate classification (germline): Uncertain significance (1 of 4 stars; one submission).

Conditions:
Autosomal dominant childhood-onset proximal spinal muscular atrophy with contractures (SMALED2A). Also called: Spinal muscular atrophy, lower extremity-predominant, 2A, autosomal dominant; SPINAL MUSCULAR ATROPHY, LOWER EXTREMITY-PREDOMINANT, 2A, CHILDHOOD ONSET, AUTOSOMAL DOMINANT. Identifiers: Orphanet 363447, Orphanet 363454, MedGen C4747715, MONDO:0014121, OMIM 615290.

Allele frequency attached by ClinVar (database versions not stated): gnomAD exomes below 0.00001; TOPMed 0.00001.
gnomAD v4.1: 2 of 1,613,060 alleles (0.00012%); highest among the groups gnomAD compares: African/African-American, 0.0027%; no homozygotes.

Submission:

Labcorp Genetics (formerly Invitae), Labcorp
Classification: Uncertain significance for Autosomal dominant childhood-onset proximal spinal muscular atrophy with contractures. Last evaluated: 2019-05-21. Review status: criteria provided, single submitter. Criteria: Invitae Variant Classification Sherloc (09022015). Collection method: clinical testing. Allele origin: germline.
Comment: Algorithms developed to predict the effect of missense changes on protein structure and function (SIFT, PolyPhen-2, Align-GVGD) all suggest that this variant is likely to be tolerated, but these predictions have not been confirmed by published functional studies and their clinical significance is uncertain. In summary, the available evidence is currently insufficient to determine the role of this variant in disease. Therefore, it has been classified as a Variant of Uncertain Significance. This variant has not been reported in the literature in individuals with BICD2-related disease. This variant is not present in population databases (ExAC no frequency). This sequence change replaces serine with glycine at codon 521 of the BICD2 protein (p.Ser521Gly). The serine residue is moderately conserved and there is a small physicochemical difference between serine and glycine.